The following is an entry in ClinVar:

NM_002335.4(LRP5):c.91+1G>T

Gene: LRP5 (LDL receptor related protein 5; plus strand). Cytogenetic location: 11q13.2.
Variant type: single nucleotide variant.
Coding change: c.91+1G>T on transcript NM_002335.4 (MANE Select); the canonical splice donor site of the intron after coding-DNA position 91, G replaced by T.
Molecular consequence: splice donor variant.
Genome position (GRCh38, 1-based): chr11:68,312,806, G>T. VCF-style: chr11-68312806-G-T. GRCh37 (hg19) VCF-style: chr11-68080274-G-T.
Other names: c.-1675+1G>T (NM_001291902.2).
Identifiers: ClinVar variation 1509427 (VCV001509427.6), dbSNP rs2153110244, ClinGen allele CA381607643.
Genomic context (GRCh38, chr11:68,312,806, plus strand): 5'-CGCTGCTGCTGCTGCTGCTGCTGCTGCTGGCGCTGTGCGGCTGCCCGGCCCCCGCCGCGG[G>T]TAGGTGGGCGCAGGCCGGCCGGGGGCCGCGGGTTGCTCGGACAATGGCCCGGGCGGCCCC-3'

ClinVar aggregate classification (germline): Likely pathogenic (1 of 4 stars; one submission).

Submission:

Labcorp Genetics (formerly Invitae), Labcorp
Classification: Likely pathogenic. Last evaluated: 2024-10-08. Review status: criteria provided, single submitter. Criteria: Invitae Variant Classification Sherloc (09022015). Collection method: clinical testing. Allele origin: germline.
Comment: This sequence change affects a donor splice site in intron 1 of the LRP5 gene. It is expected to disrupt RNA splicing. Variants that disrupt the donor or acceptor splice site typically lead to a loss of protein function (PMID: 16199547), and loss-of-function variants in LRP5 are known to be pathogenic (PMID: 11719191, 16252235, 25711638). The frequency data for this variant in the population databases is considered unreliable, as metrics indicate insufficient coverage at this position in the gnomAD database. Disruption of this splice site has been observed in individual(s) with familial exudative vitreoretinopathy (PMID: 31987760). ClinVar contains an entry for this variant (Variation ID: 1509427). Algorithms developed to predict the effect of sequence changes on RNA splicing suggest that this variant may disrupt the consensus splice site. In summary, the currently available evidence indicates that the variant is pathogenic, but additional data are needed to prove that conclusively. Therefore, this variant has been classified as Likely Pathogenic.

Literature cited by the submitters: PubMed 16199547; PubMed 11719191; PubMed 16252235; PubMed 25711638; PubMed 31987760.